The following is an entry in ClinVar:

NM_025081.3(NYNRIN):c.604A>G (p.Ile202Val)

Gene: NYNRIN (NYN domain and retroviral integrase containing; plus strand). Cytogenetic location: 14q12.
Variant type: single nucleotide variant.
Coding change: c.604A>G on transcript NM_025081.3 (MANE Select); coding-DNA position 604, A replaced by G.
Protein change: p.Ile202Val; replaces isoleucine 202 with valine.
Molecular consequence: missense variant.
Genome position (GRCh38, 1-based): chr14:24,408,274, A>G. VCF-style: chr14-24408274-A-G. GRCh37 (hg19) VCF-style: chr14-24877480-A-G.
Other names: short protein forms I202V.
Identifiers: ClinVar variation 4727125 (VCV004727125.1).

ClinVar aggregate classification (germline): Uncertain significance (1 of 4 stars; one submission).

Submission:

Labcorp Genetics (formerly Invitae), Labcorp
Classification: Uncertain significance. Last evaluated: 2025-09-14. Review status: criteria provided, single submitter. Criteria: Invitae Variant Classification Sherloc (09022015). Collection method: clinical testing. Allele origin: germline.
Comment: This sequence change replaces isoleucine, which is neutral and non-polar, with valine, which is neutral and non-polar, at codon 202 of the NYNRIN protein (p.Ile202Val). This variant is not present in population databases (gnomAD no frequency). This variant has not been reported in the literature in individuals affected with NYNRIN-related conditions. Experimental studies and prediction algorithms are not available or were not evaluated, and the functional significance of this variant is currently unknown. In summary, the available evidence is currently insufficient to determine the role of this variant in disease. Therefore, it has been classified as a Variant of Uncertain Significance.